The following is an entry in ClinVar:

NM_006567.5(FARS2):c.954G>A (p.Arg318=)

Gene: FARS2 (phenylalanyl-tRNA synthetase 2, mitochondrial; plus strand). Cytogenetic location: 6p25.1.
Variant type: single nucleotide variant.
Coding change: c.954G>A on transcript NM_006567.5 (MANE Select); coding-DNA position 954, G replaced by A.
Protein change: p.Arg318=; no amino-acid change (arginine 318 retained).
Molecular consequence: synonymous variant.
Genome position (GRCh38, 1-based): chr6:5,545,229, G>A. VCF-style: chr6-5545229-G-A. GRCh37 (hg19) VCF-style: chr6-5545462-G-A.
Other names: c.954G>A, p.Arg318= (NM_001375257.1, NM_001374878.1, NM_001374879.1 and 4 more transcripts); c.822G>A, p.Arg274= (NM_001375258.1); c.258G>A, p.Arg86= (NM_001375259.1, NM_001375260.1).
Identifiers: ClinVar variation 1115161 (VCV001115161.11), dbSNP rs764877564, ClinGen allele CA3623842.

ClinVar aggregate classification (germline): Likely benign. Review status: criteria provided, multiple submitters, no conflicts (2 of 4 stars). 2 submissions from 2 submitters: Likely benign (2). Last evaluated 2026-06-01.

Conditions:
Combined oxidative phosphorylation defect type 14. Also called: Combined oxidative phosphorylation deficiency 14. Identifiers: Orphanet 319519, MedGen C4755312, MONDO:0013986, OMIM 614946.

Allele frequency attached by ClinVar (database versions not stated): ExAC 0.00003; gnomAD exomes 0.00005.
gnomAD v4.1: 17 of 1,614,016 alleles (0.0011%); highest among the groups gnomAD compares: Admixed American, 0.017%; no homozygotes.

Submissions (2):

CeGaT Center for Human Genetics Tuebingen
Classification: Likely benign. Last evaluated: 2026-06-01. Review status: criteria provided, single submitter. Criteria: CeGaT Center For Human Genetics Tuebingen Variant Classification Criteria Version 2. Collection method: clinical testing. Allele origin: germline. Affected: yes. Observed: 1 variant allele.
Comment: FARS2: BP4, BP7

Labcorp Genetics (formerly Invitae), Labcorp
Classification: Likely benign for Combined oxidative phosphorylation defect type 14. Last evaluated: 2025-10-01. Review status: criteria provided, single submitter. Criteria: Invitae Variant Classification Sherloc (09022015). Collection method: clinical testing. Allele origin: germline.